The following is an entry in ClinVar:

NM_000836.4(GRIN2D):c.3634C>T (p.Pro1212Ser)

Gene: GRIN2D (glutamate ionotropic receptor NMDA type subunit 2D; plus strand). Cytogenetic location: 19q13.33.
Variant type: single nucleotide variant.
Coding change: c.3634C>T on transcript NM_000836.4 (MANE Select); coding-DNA position 3634, C replaced by T.
Protein change: p.Pro1212Ser; replaces proline 1212 with serine.
Molecular consequence: missense variant.
Genome position (GRCh38, 1-based): chr19:48,443,560, C>T. VCF-style: chr19-48443560-C-T. GRCh37 (hg19) VCF-style: chr19-48946817-C-T.
Other names: short protein forms P1212S.
Identifiers: ClinVar variation 4780805 (VCV004780805.1).

ClinVar aggregate classification (germline): Uncertain significance (1 of 4 stars; one submission).

gnomAD v4.1: 3 of 1,237,522 alleles (0.00024%); highest among the groups gnomAD compares: Non-Finnish European, 0.0003%; no homozygotes.

Submission:

Labcorp Genetics (formerly Invitae), Labcorp
Classification: Uncertain significance. Last evaluated: 2025-11-26. Review status: criteria provided, single submitter. Criteria: Invitae Variant Classification Sherloc (09022015). Collection method: clinical testing. Allele origin: germline.
Comment: This sequence change replaces proline, which is neutral and non-polar, with serine, which is neutral and polar, at codon 1212 of the GRIN2D protein (p.Pro1212Ser). The frequency data for this variant in the population databases is considered unreliable, as metrics indicate insufficient coverage at this position in the gnomAD database. This variant has not been reported in the literature in individuals affected with GRIN2D-related conditions. Invitae Evidence Modeling of protein sequence and biophysical properties (such as structural, functional, and spatial information, amino acid conservation, physicochemical variation, residue mobility, and thermodynamic stability) indicates that this missense variant is not expected to disrupt GRIN2D protein function with a negative predictive value of 95%. In summary, the available evidence is currently insufficient to determine the role of this variant in disease. Therefore, it has been classified as a Variant of Uncertain Significance.